The following continues an entry in ClinVar:

NM_001256317.3(TMPRSS3):c.208del (p.His70fs)

Gene: TMPRSS3. ClinVar aggregate classification (germline): Pathogenic/Likely pathogenic. Pathogenic (21); Likely pathogenic (2).

Submissions 9 to 27 of 27:

Molecular Genetics, Royal Melbourne Hospital
Classification: Pathogenic for Nonsyndromic genetic hearing loss. Last evaluated: 2024-01-05. Review status: criteria provided, single submitter. Criteria: ACMG Guidelines, 2015. Collection method: clinical testing. Allele origin: germline. Inheritance: Autosomal recessive inheritance. Affected: yes.
Comment: This sequence change in TMPRSS3 is a frameshift variant predicted to cause a premature stop codon, p.(His70Thrfs*19), in biologically relevant exon 4/13 leading to nonsense-mediated decay in a gene in which loss-of-function is an established disease mechanism. The highest population minor allele frequency in the population database gnomAD v4.0 is 0.1% (1,202/1,180,022 alleles) in the European (non-Finnish) population. The variant has been reported to segregate with hearing loss in affected family members from two unrelated families (PMID: 21534946, 26036852). This variant has been detected in multiple individuals with hearing loss. Of those individuals, at least two individuals were homozygous while the majority of the reported individuals were compound heterozygous for the variant and a pathogenic or likely pathogenic variant (PMID: 29293505, 30242206, 26036852, 28566687). Based on the classification scheme RMH Modified ACMG/AMP Guidelines v1.6.1, this variant is classified as PATHOGENIC. Following criteria are met: PM3_VeryStrong, PP1_Strong, PVS1

Ambry Genetics
Classification: Pathogenic for Inborn genetic diseases. Last evaluated: 2023-12-19. Review status: criteria provided, single submitter. Criteria: Ambry Variant Classification Scheme 2023. Collection method: clinical testing. Allele origin: germline.
Comment: The c.208delC (p.H70Tfs*19) alteration, located in exon 4 (coding exon 3) of the TMPRSS3 gene, consists of a deletion of one nucleotide at position 208, causing a translational frameshift with a predicted alternate stop codon after 19 amino acids. This alteration is expected to result in loss of function by premature protein truncation or nonsense-mediated mRNA decay. Based on data from gnomAD, this allele has an overall frequency of 0.048% (136/282628) total alleles studied. The highest observed frequency was 0.097% (10/10364) of Ashkenazi Jewish alleles. This alteration has been reported homozygous or compound heterozygous with a second TMPRSS3 alteration in multiple patients with features consistent with TMPRSS3-related deafness (Wattenhofer, 2002; Battelino, 2016; Lechowicz, 2017; Likar, 2018; Roman, 2020; Moon, 2021). Based on the available evidence, this alteration is classified as pathogenic.

Genetics and Molecular Pathology, SA Pathology
Classification: Pathogenic for Autosomal recessive nonsyndromic hearing loss 8. Last evaluated: 2023-11-02. Review status: criteria provided, single submitter. Criteria: ACMG Guidelines, 2015. Collection method: clinical testing. Allele origin: germline. Inheritance: Autosomal recessive inheritance. Affected: yes.

Clinical Genetics Laboratory, Skane University Hospital Lund
Classification: Pathogenic. Last evaluated: 2023-02-17. Review status: criteria provided, single submitter. Criteria: ACMG Guidelines, 2015. Collection method: clinical testing. Allele origin: germline. Affected: yes.

The Shared Resource Centre "Genome", Research Centre for Medical Genetics
Classification: Pathogenic for Autosomal recessive nonsyndromic hearing loss 8. Last evaluated: 2022-11-10. Review status: criteria provided, single submitter. Criteria: ACMG Guidelines, 2015. Collection method: clinical testing. Allele origin: germline. Affected: yes. Observed: 1 variant allele.

GeneDx
Classification: Pathogenic. Last evaluated: 2022-04-25. Review status: criteria provided, single submitter. Criteria: GeneDx Variant Classification Process June 2021. Collection method: clinical testing. Allele origin: germline. Affected: yes.
Comment: Frameshift variant predicted to result in protein truncation or nonsense mediated decay in a gene for which loss-of-function is a known mechanism of disease; This variant is associated with the following publications: (PMID: 15447792, 27573290, 19170735, 21534946, 11907649, 21786053, 26036852, 28566687, 29293505, 31270413, 31980526, 31412945, 34171171, 31589614, 32853555, 32860223)

Department of Pathology and Laboratory Medicine, Sinai Health System
Classification: Pathogenic for nonsyndromic genetic hearing loss. Last evaluated: 2022-01-11. Review status: criteria provided, single submitter. Criteria: ACMG Guidelines, 2015. Collection method: research. Allele origin: germline.

Fulgent Genetics
Classification: Pathogenic for Autosomal recessive nonsyndromic hearing loss 8. Last evaluated: 2021-09-17. Review status: criteria provided, single submitter. Criteria: ACMG Guidelines, 2015. Collection method: clinical testing. Allele origin: unknown.

Department of Otolaryngology – Head & Neck Surgery, Cochlear Implant Center
Classification: Likely pathogenic for Hearing impairment. Last evaluated: 2021-04-12. Review status: criteria provided, single submitter. Criteria: ClinGen HL ACMG Specifications v1. Collection method: clinical testing. Allele origin: germline. Affected: yes.
Comment: PVS1_Strong, PM2_Supporting, PM5_Moderate

Cambridge Genomics Laboratory, East Genomic Laboratory Hub, NHS Genomic Medicine Service
Classification: Pathogenic for Hearing impairment. Last evaluated: 2019-11-01. Review status: criteria provided, single submitter. Criteria: ACGS Best Practice Guidelines for Variant Classification in Rare Disease 2020. Collection method: clinical testing. Allele origin: germline. Affected: yes. Observed: 1 variant allele.

Centre for Mendelian Genomics, University Medical Centre Ljubljana
Classification: Pathogenic for Autosomal recessive nonsyndromic hearing loss 8. Last evaluated: 2019-08-26. Review status: criteria provided, single submitter. Criteria: ACMG Guidelines, 2015. Collection method: clinical testing. Allele origin: unknown. Affected: yes.
Comment: This variant was classified as: Pathogenic. The following ACMG criteria were applied in classifying this variant: PVS1,PS1,PM2.

Knight Diagnostic Laboratories, Oregon Health and Sciences University
Classification: Pathogenic. Last evaluated: 2019-07-03. Review status: criteria provided, single submitter. Criteria: ACMG Guidelines, 2015. Collection method: clinical testing. Allele origin: germline. Observed: 2 variant alleles.

Illumina Laboratory Services, Illumina
Classification: Pathogenic for Autosomal recessive nonsyndromic hearing loss 8. Last evaluated: 2017-04-27. Review status: criteria provided, single submitter. Criteria: ICSL Variant Classification Criteria 09 May 2019. Collection method: clinical testing. Allele origin: germline.
Comment: The TMPRSS3 c.208delC (p.His70ThrfsTer19) variant has been reported in at least six studies and is found in a total of at least 27 individuals with nonsyndromic hearing loss, including 24 in a homozygous state and three in a compound heterozygous state (Wattenhofer et al. 2002; Ahmed et al. 2004; Kecmanovic et al. 2009; Weegerink et al. 2011; Lee et al. 2012; Battelino et al. 2015). The variant segregated with disease in at least three unrelated families. The p.His70ThrfsTer19 variant was absent from 700 control alleles but is reported at a frequency of 0.00074 in the European (non-Finnish) population of the Exome Aggregation Consortium. The p.His70ThrfsTer19 variant results in a frameshift, and is predicted to result in premature termination of the protein. Due to the potential impact of frameshift variants and the supporting evidence from the literature, the p.His70ThrfsTer19 variant is classified as pathogenic for autosomal recessive nonsyndromic hearing loss. This variant was observed by ICSL as part of a predisposition screen in an ostensibly healthy population.

Clinical Genetics Service, Universitary Hospital 12 de Octubre
Classification: Pathogenic for Autosomal recessive nonsyndromic hearing loss 8. Review status: criteria provided, single submitter. Criteria: ACMG Guidelines, 2015. Collection method: clinical testing. Allele origin: paternal. Affected: yes.

UNC Molecular Genetics  Laboratory, University of North Carolina at Chapel Hill
Classification: Likely pathogenic for Deafness, autosomal recessive 8. Review status: criteria provided, single submitter. Criteria: ACMG Guidelines, 2015. Collection method: research. Allele origin: inherited. Affected: yes. Observed: 1 variant allele. Study: NSIGHT-NC NEXUS.
Comment: TMPRSS3 c.208delC (p.H70Tfs) is a frameshift variant that is predicted to result in a nonfunctional protein. This variant has been reported previously in the homozygous or compound heterozygous state in multiple individuals with autosomal recessive nonsyndromic hearing loss (PMID: 11907649, 21534946, 21786053; 26036852).

OMIM
Classification: Pathogenic for DEAFNESS, AUTOSOMAL RECESSIVE 8. Last evaluated: 2002-02-01. Review status: no assertion criteria provided. Collection method: literature only. Allele origin: germline. Not counted in ClinVar's aggregate classification.

Clinical Genetics DNA and cytogenetics Diagnostics Lab, Erasmus MC, Erasmus Medical Center
Classification: Pathogenic. Review status: no assertion criteria provided. Collection method: clinical testing. Allele origin: germline. Affected: yes. Study: VKGL Data-share Consensus. Not counted in ClinVar's aggregate classification.

Genomics England Pilot Project, Genomics England
Classification: Likely pathogenic for Autosomal recessive nonsyndromic hearing loss 8. Review status: no assertion criteria provided. Criteria: ACGS Guidelines, 2016. Collection method: clinical testing. Allele origin: germline. Affected: yes. Not counted in ClinVar's aggregate classification.

Joint Genome Diagnostic Labs from Nijmegen and Maastricht, Radboudumc and MUMC+
Classification: Pathogenic. Review status: no assertion criteria provided. Collection method: clinical testing. Allele origin: germline. Affected: yes. Study: VKGL Data-share Consensus. Not counted in ClinVar's aggregate classification.

Literature cited by the submitters: PubMed 29293505 (cited by 4 submitters); PubMed 16021470 (cited by Labcorp Genetics (formerly Invitae), Labcorp); PubMed 26969326 (cited by Labcorp Genetics (formerly Invitae), Labcorp); PubMed 11907649 (cited by 6 submitters); PubMed 28566687 (cited by 4 submitters); PubMed 26036852 (cited by 6 submitters); PubMed 32658404 (cited by Variantyx, Inc.); PubMed 15447792 (cited by Laboratory for Molecular Medicine, Mass General Brigham Personalized Medicine and Illumina Laboratory Services, Illumina); PubMed 19170735 (cited by Laboratory for Molecular Medicine, Mass General Brigham Personalized Medicine and Illumina Laboratory Services, Illumina); PubMed 21534946 (cited by 4 submitters); PubMed 21786053 (cited by 3 submitters); PubMed 26408194 (cited by Laboratory for Molecular Medicine, Mass General Brigham Personalized Medicine); PubMed 37331337 (cited by Laboratory for Molecular Medicine, Mass General Brigham Personalized Medicine); PubMed 30242206 (cited by Molecular Genetics, Royal Melbourne Hospital); PubMed 16460646 (cited by Ambry Genetics); PubMed 32853555 (cited by Ambry Genetics); PubMed 34868270 (cited by Ambry Genetics).